The following is an entry in ClinVar:

ClinVar aggregate classification (germline): Uncertain significance (1 of 4 stars; one submission).

gnomAD v4.1: 1 of 520,076 alleles (0.00019%); no homozygotes.

Submission:

GeneDx
Classification: Uncertain significance. Last evaluated: 2026-03-26. Review status: criteria provided, single submitter. Criteria: GeneDx Variant Classification Process June 2021. Collection method: clinical testing. Allele origin: germline.
Comment: Not observed at significant frequency in large population cohorts (gnomAD); In silico analysis suggests this variant may impact gene splicing. In the absence of RNA/functional studies, the actual effect of this sequence change is unknown.; In silico analysis supports that this missense variant has a deleterious effect on protein structure/function; Has not been previously published as pathogenic or benign to our knowledge

NM_002471.4(MYH6):c.5573A>G (p.Glu1858Gly)

Gene: MYH6 (myosin heavy chain 6; minus strand). Cytogenetic location: 14q11.2.
Variant type: single nucleotide variant.
Coding change: c.5573A>G on transcript NM_002471.4 (MANE Select); coding-DNA position 5573, A replaced by G.
Protein change: p.Glu1858Gly; replaces glutamic acid 1858 with glycine.
Molecular consequence: missense variant.
Genome position (GRCh38, 1-based): chr14:23,383,313, T>C on the plus strand (A>G on the coding strand, the complement: MYH6 is on the minus strand). VCF-style: chr14-23383313-T-C. GRCh37 (hg19) VCF-style: chr14-23852522-T-C.
Other names: short protein forms E1858G.
Identifiers: ClinVar variation 5018442 (VCV005018442.1).